The following is an entry in ClinVar:

NM_006648.4(WNK2):c.5285C>G (p.Pro1762Arg)

Gene: WNK2 (WNK lysine deficient protein kinase 2; plus strand). Cytogenetic location: 9q22.31.
Variant type: single nucleotide variant.
Coding change: c.5285C>G on transcript NM_006648.4 (MANE Select); coding-DNA position 5285, C replaced by G.
Protein change: p.Pro1762Arg; replaces proline 1762 with arginine.
Molecular consequence: missense variant.
Genome position (GRCh38, 1-based): chr9:93,292,750, C>G. VCF-style: chr9-93292750-C-G. GRCh37 (hg19) VCF-style: chr9-96055032-C-G.
Other names: c.5396C>G, p.Pro1799Arg (NM_001282394.3); short protein forms P1762R, P1799R.
Identifiers: ClinVar variation 3470250 (VCV003470250.1).

ClinVar aggregate classification (germline): Uncertain significance (1 of 4 stars; one submission).

gnomAD v4.1: 12 of 1,563,166 alleles (0.00077%); highest among the groups gnomAD compares: East Asian, 0.0024%; no homozygotes.

Submission:

Ambry Genetics
Classification: Uncertain significance. Last evaluated: 2024-11-21. Review status: criteria provided, single submitter. Criteria: Ambry Variant Classification Scheme 2023. Collection method: clinical testing. Allele origin: germline.
Comment: The p.P1762R variant (also known as c.5285C>G), located in coding exon 22 of the WNK2 gene, results from a C to G substitution at nucleotide position 5285. The proline at codon 1762 is replaced by arginine, an amino acid with dissimilar properties. This amino acid position is conserved. In addition, this alteration is predicted to be tolerated by in silico analysis. Based on the available evidence, the clinical significance of this variant remains unclear.